The following is an entry in ClinVar:

NM_144997.7(FLCN):c.181C>T (p.His61Tyr)

Gene: FLCN (folliculin; minus strand). Cytogenetic location: 17p11.2.
Variant type: single nucleotide variant.
Coding change: c.181C>T on transcript NM_144997.7 (MANE Select); coding-DNA position 181, C replaced by T.
Protein change: p.His61Tyr; replaces histidine 61 with tyrosine.
Molecular consequence: missense variant.
Genome position (GRCh38, 1-based): chr17:17,227,957, G>A on the plus strand (C>T on the coding strand, the complement: FLCN is on the minus strand). VCF-style: chr17-17227957-G-A. GRCh37 (hg19) VCF-style: chr17-17131271-G-A.
Other names: c.181C>T, p.His61Tyr (NM_001353229.2, NM_001353230.2, NM_001353231.2 and 1 more transcripts); short protein forms H61Y.
Identifiers: ClinVar variation 2798848 (VCV002798848.3), dbSNP rs758156813, ClinGen allele CA398535157.

ClinVar aggregate classification (germline): Uncertain significance (1 of 4 stars; one submission).

Conditions:
Birt-Hogg-Dube syndrome. Also called: Birt Hogg Dubé syndrome. Identifiers: Orphanet 122, MedGen C0346010, MONDO:0800444.

gnomAD v4.1: 1 of 1,614,180 alleles (0.000062%); highest among the groups gnomAD compares: Non-Finnish European, 0.000085%; no homozygotes.

Submission:

Labcorp Genetics (formerly Invitae), Labcorp
Classification: Uncertain significance for Birt-Hogg-Dube syndrome. Last evaluated: 2023-11-07. Review status: criteria provided, single submitter. Criteria: Invitae Variant Classification Sherloc (09022015). Collection method: clinical testing. Allele origin: germline.
Comment: This sequence change replaces histidine, which is basic and polar, with tyrosine, which is neutral and polar, at codon 61 of the FLCN protein (p.His61Tyr). This variant is present in population databases (no rsID available, gnomAD 0.0009%). This variant has not been reported in the literature in individuals affected with FLCN-related conditions. Advanced modeling of protein sequence and biophysical properties (such as structural, functional, and spatial information, amino acid conservation, physicochemical variation, residue mobility, and thermodynamic stability) performed at Invitae indicates that this missense variant is not expected to disrupt FLCN protein function with a negative predictive value of 80%. In summary, the available evidence is currently insufficient to determine the role of this variant in disease. Therefore, it has been classified as a Variant of Uncertain Significance.